The following is an entry in ClinVar:

ClinVar aggregate classification (germline): Likely benign (1 of 4 stars; one submission).

Conditions:
TMEM67-related disorder. Also called: TMEM67-related disorders; TMEM67-related condition. Identifiers: MedGen CN239423.

Submission:

PreventionGenetics, part of Exact Sciences
Classification: Likely benign for TMEM67-related condition. Last evaluated: 2025-01-31. Review status: criteria provided, single submitter. Criteria: ACMG Guidelines, 2015. Collection method: clinical testing. Allele origin: germline.
Comment: This variant is classified as likely benign based on ACMG/AMP sequence variant interpretation guidelines (Richards et al. 2015 PMID: 25741868, with internal and published modifications).

NM_153704.6(TMEM67):c.869+10T>C

Gene: TMEM67 (transmembrane protein 67; plus strand). Cytogenetic location: 8q22.1.
Variant type: single nucleotide variant.
Coding change: c.869+10T>C on transcript NM_153704.6 (MANE Select); 10 bases into the intron after coding-DNA position 869, T replaced by C.
Molecular consequence: intron variant.
Genome position (GRCh38, 1-based): chr8:93,780,757, T>C. VCF-style: chr8-93780757-T-C. GRCh37 (hg19) VCF-style: chr8-94792985-T-C.
Other names: c.626+10T>C (NM_001142301.1).
Identifiers: ClinVar variation 5002037 (VCV005002037.1).